The following is an entry in ClinVar:

ClinVar aggregate classification (germline): Uncertain significance (1 of 4 stars; one submission).

Conditions:
Dyskinesia with orofacial involvement, autosomal dominant (DSKOD). Also called: Dyskinesia, familial, with facial myokymia; Familial dyskinesia and facial myokymia; Familial Dyskinesia with Facial Myokymia (FDFM). Identifiers: Orphanet 324588, MedGen C1847627, MONDO:0800028, OMIM 606703.

Allele frequency attached by ClinVar (database versions not stated): gnomAD exomes below 0.00001.
gnomAD v4.1: 2 of 1,608,570 alleles (0.00012%); highest among the groups gnomAD compares: South Asian, 0.0011%; no homozygotes.

Submission:

Neuberg Centre For Genomic Medicine, NCGM
Classification: Uncertain significance for Dyskinesia with orofacial involvement, autosomal dominant. Review status: criteria provided, single submitter. Criteria: ACMG Guidelines, 2015. Collection method: clinical testing. Allele origin: germline. Affected: yes.
Comment: The missense variant p.A211V in ADCY5 (NM_183357.3) has not been reported previously as a pathogenic variant nor as a benign variant, to our knowledge. is novel (not in any individuals) in gnomAD Exomes. The p.A211V variant is novel (not in any individuals) in 1000 Genomes. In silico tools predict the variant to be tolerated and the residue is weakly conserved across species. For these reasons, this variant has been classified as Uncertain Significance.

NM_183357.3(ADCY5):c.632C>T (p.Ala211Val)

Gene: ADCY5 (adenylate cyclase 5; minus strand). Cytogenetic location: 3q21.1.
Variant type: single nucleotide variant.
Coding change: c.632C>T on transcript NM_183357.3 (MANE Select); coding-DNA position 632, C replaced by T.
Protein change: p.Ala211Val; replaces alanine 211 with valine.
Molecular consequence: missense variant.
Genome position (GRCh38, 1-based): chr3:123,447,914, G>A on the plus strand (C>T on the coding strand, the complement: ADCY5 is on the minus strand). VCF-style: chr3-123447914-G-A. GRCh37 (hg19) VCF-style: chr3-123166761-G-A.
Other names: c.632C>T, p.Ala211Val (NM_001378259.1); short protein forms A211V.
Identifiers: ClinVar variation 1338996 (VCV001338996.2), dbSNP rs764016753, ClinGen allele CA2577669.